The following is an entry in ClinVar:

NM_004821.3(HAND1):c.628G>C (p.Ala210Pro)

Gene: HAND1 (heart and neural crest derivatives expressed 1; minus strand). Cytogenetic location: 5q33.2.
Variant type: single nucleotide variant.
Coding change: c.628G>C on transcript NM_004821.3 (MANE Select); coding-DNA position 628, G replaced by C.
Protein change: p.Ala210Pro; replaces alanine 210 with proline.
Molecular consequence: missense variant.
Genome position (GRCh38, 1-based): chr5:154,475,826, C>G on the plus strand (G>C on the coding strand, the complement: HAND1 is on the minus strand). VCF-style: chr5-154475826-C-G. GRCh37 (hg19) VCF-style: chr5-153855386-C-G.
Other names: short protein forms A210P.
Identifiers: ClinVar variation 3701619 (VCV003701619.2).

ClinVar aggregate classification (germline): Uncertain significance (1 of 4 stars; one submission).

Conditions:
Hypoplastic left heart syndrome. Also called: Hypoplastic left heart; Hypoplastic left ventricle. Identifiers: Orphanet 2248, MedGen C0152101, MONDO:0004933, HP:0004383.

Submission:

Labcorp Genetics (formerly Invitae), Labcorp
Classification: Uncertain significance for Hypoplastic left heart syndrome. Last evaluated: 2024-04-12. Review status: criteria provided, single submitter. Criteria: Invitae Variant Classification Sherloc (09022015). Collection method: clinical testing. Allele origin: germline.
Comment: This sequence change replaces alanine, which is neutral and non-polar, with proline, which is neutral and non-polar, at codon 210 of the HAND1 protein (p.Ala210Pro). This variant is not present in population databases (gnomAD no frequency). This variant has not been reported in the literature in individuals affected with HAND1-related conditions. An algorithm developed to predict the effect of missense changes on protein structure and function (PolyPhen-2) suggests that this variant is likely to be disruptive. In summary, the available evidence is currently insufficient to determine the role of this variant in disease. Therefore, it has been classified as a Variant of Uncertain Significance.